The following is an entry in ClinVar:

NM_001286577.2(C2CD3):c.6719A>G (p.Asn2240Ser)

Gene: C2CD3 (C2 domain containing 3 centriole elongation regulator; minus strand). Cytogenetic location: 11q13.4.
Variant type: single nucleotide variant.
Coding change: c.6719A>G on transcript NM_001286577.2 (MANE Select); coding-DNA position 6719, A replaced by G.
Protein change: p.Asn2240Ser; replaces asparagine 2240 with serine.
Molecular consequence: missense variant.
Genome position (GRCh38, 1-based): chr11:74,033,441, T>C on the plus strand (A>G on the coding strand, the complement: C2CD3 is on the minus strand). VCF-style: chr11-74033441-T-C. GRCh37 (hg19) VCF-style: chr11-73744486-T-C.
Other names: short protein forms N2240S.
Identifiers: ClinVar variation 3007399 (VCV003007399.2), dbSNP rs975967216, ClinGen allele CA224505462.

ClinVar aggregate classification (germline): Uncertain significance (1 of 4 stars; one submission).

Allele frequency attached by ClinVar (database versions not stated): gnomAD 0.00003; TOPMed 0.00004; gnomAD exomes 0.00006.
gnomAD v4.1: 87 of 1,535,996 alleles (0.0057%); highest among the groups gnomAD compares: Non-Finnish European, 0.0072%; no homozygotes.

Submission:

Labcorp Genetics (formerly Invitae), Labcorp
Classification: Uncertain significance. Last evaluated: 2023-12-11. Review status: criteria provided, single submitter. Criteria: Invitae Variant Classification Sherloc (09022015). Collection method: clinical testing. Allele origin: germline.
Comment: The C2CD3 gene has multiple clinically relevant transcripts. This variant occurs in alternate transcript NM_001286577.1, and corresponds to NM_015531.5:c.*1157A>G in the primary transcript. This sequence change replaces asparagine, which is neutral and polar, with serine, which is neutral and polar, at codon 2240 of the C2CD3 protein (p.Asn2240Ser). This variant is present in population databases (no rsID available, gnomAD 0.002%). This variant has not been reported in the literature in individuals affected with C2CD3-related conditions. Experimental studies and prediction algorithms are not available or were not evaluated, and the functional significance of this variant is currently unknown. In summary, the available evidence is currently insufficient to determine the role of this variant in disease. Therefore, it has been classified as a Variant of Uncertain Significance.